The following is an entry in ClinVar:

NM_213653.4(HJV):c.7dup (p.Glu3fs)

Gene: HJV (hemojuvelin BMP co-receptor; minus strand). Cytogenetic location: 1q21.1.
Variant type: Duplication.
Coding change: c.7dup on transcript NM_213653.4 (MANE Select); coding-DNA position 7, one base duplicated (G; older notation c.7dupG).
Protein change: p.Glu3fs; shifts the reading frame from glutamic acid 3.
Molecular consequence: frameshift variant, initiator codon variant. On other transcripts: 5 prime UTR variant (1), intron variant (3).
Genome position (GRCh38, 1-based): chr1:146,020,225, C duplicated on the plus strand (G on the coding strand, the reverse complement: HJV is on the minus strand); the first of 5 consecutive C bases (chr1:146,020,225-146,020,229); duplicating any one gives the same sequence. VCF-style (leftmost placement, unchanged base first): chr1-146020224-T-TC. GRCh37 (hg19) VCF-style: chr1-145414783-T-TG.
Other names: c.-149dup (NM_001316767.2); c.7dup, p.Glu3fs (NM_001379352.1); c.-22+1358dup (NM_213652.4); c.-58-495dup (NM_202004.4); c.-242-495dup (NM_145277.5); short protein forms E3fs.
Identifiers: ClinVar variation 1076582 (VCV001076582.7), dbSNP rs2101986549, ClinGen allele CA2499214162.
Genomic context (GRCh38, chr1:146,020,224, plus strand): 5'-AGAGTGCTTAGAGTTGGGGGACTGCCATGGGAGGACCTGGGACTAGGGGACTGGCCTGGC[T>TC]CCCCCATACCTATCCAGCCAGGTTTCCCAGGCGCCGGTTCTTCCCAGCTGATGACCCTCC-3'

ClinVar aggregate classification (germline): Pathogenic (1 of 4 stars; one submission).

Submission:

Labcorp Genetics (formerly Invitae), Labcorp
Classification: Pathogenic. Last evaluated: 2020-07-25. Review status: criteria provided, single submitter. Criteria: Invitae Variant Classification Sherloc (09022015). Collection method: clinical testing. Allele origin: germline.
Comment: For these reasons, this variant has been classified as Pathogenic. Loss-of-function variants in HJV are known to be pathogenic (PMID: 20301349, 22408404). This variant has not been reported in the literature in individuals with HJV-related conditions. This variant is not present in population databases (ExAC no frequency). This sequence change creates a premature translational stop signal (p.Glu3Glyfs*7) in the HJV gene. It is expected to result in an absent or disrupted protein product.

Literature cited by the submitters: PubMed 20301349; PubMed 22408404.